The following is an entry in ClinVar:

ClinVar aggregate classification (germline): Pathogenic/Likely pathogenic. Review status: criteria provided, multiple submitters, no conflicts (2 of 4 stars). 2 submissions from 2 submitters: Pathogenic (1); Likely pathogenic (1). Last evaluated 2023-02-03.

Conditions:
Myofibrillar myopathy 6. Identifiers: Orphanet 199340, MedGen C2751831, MONDO:0013061, OMIM 612954.
Dilated cardiomyopathy 1HH (CMD1HH). Identifiers: Orphanet 154, MedGen C3151293, MONDO:0013479, OMIM 613881.
Primary familial dilated cardiomyopathy (FDC). Also called: Hypokinetic dilated cardiomyopathy, familial; Familial dilated cardiomyopathy. Identifiers: Orphanet 217607, MedGen C0340427, MONDO:0016333.

Submissions (2):

Labcorp Genetics (formerly Invitae), Labcorp
Classification: Pathogenic for Dilated cardiomyopathy 1HH; Myofibrillar myopathy 6. Last evaluated: 2023-02-03. Review status: criteria provided, single submitter. Criteria: Invitae Variant Classification Sherloc (09022015). Collection method: clinical testing. Allele origin: germline.
Comment: This variant disrupts a region of the BAG3 protein in which other variant(s) (p.Arg473*) have been determined to be pathogenic (PMID: 28436997, 32160020). This suggests that this is a clinically significant region of the protein, and that variants that disrupt it are likely to be disease-causing. ClinVar contains an entry for this variant (Variation ID: 684816). This variant has not been reported in the literature in individuals affected with BAG3-related conditions. This variant is not present in population databases (gnomAD no frequency). This sequence change creates a premature translational stop signal (p.Lys324Glnfs*17) in the BAG3 gene. While this is not anticipated to result in nonsense mediated decay, it is expected to disrupt the last 252 amino acid(s) of the BAG3 protein. For these reasons, this variant has been classified as Pathogenic.

Molecular Diagnostic Laboratory for Inherited Cardiovascular Disease, Montreal Heart Institute
Classification: Likely pathogenic for Familial dilated cardiomyopathy. Review status: criteria provided, single submitter. Criteria: ACMG Guidelines, 2015. Collection method: clinical testing. Allele origin: germline. Affected: yes.

Literature cited by the submitters: PubMed 28436997 (cited by Labcorp Genetics (formerly Invitae), Labcorp); PubMed 32160020 (cited by Labcorp Genetics (formerly Invitae), Labcorp).

NM_004281.4(BAG3):c.969_972del (p.Lys324fs)

Gene: BAG3 (BAG cochaperone 3; plus strand). Cytogenetic location: 10q26.11.
Variant type: Deletion.
Coding change: c.969_972del on transcript NM_004281.4 (MANE Select); coding-DNA positions 969 to 972, 4 bases deleted (TAAG; older notation c.969_972delTAAG).
Protein change: p.Lys324fs; shifts the reading frame from lysine 324.
Molecular consequence: frameshift variant.
Genome position (GRCh38, 1-based): chr10:119,676,523-119,676,526, TAAG deleted; deleting any 4 consecutive bases within chr10:119,676,520-119,676,526 gives the same sequence; the c. name uses the placement nearest the transcript's 3' end. VCF-style (leftmost placement, unchanged base first): chr10-119676519-AAAGT-A. GRCh37 (hg19) VCF-style: chr10-121436031-AAAGT-A.
Other names: c.969_972delTAAG (NM_004281.3); short protein forms K324fs.
Identifiers: ClinVar variation 684816 (VCV000684816.6), dbSNP rs1589632398, ClinGen allele CA915948734.